The following is an entry in ClinVar:

NM_017986.4(SLC52A1):c.370G>A (p.Ala124Thr)

Gene: SLC52A1 (solute carrier family 52 member 1; minus strand). Cytogenetic location: 17p13.2.
Variant type: single nucleotide variant.
Coding change: c.370G>A on transcript NM_017986.4 (MANE Select); coding-DNA position 370, G replaced by A.
Protein change: p.Ala124Thr; replaces alanine 124 with threonine.
Molecular consequence: missense variant.
Genome position (GRCh38, 1-based): chr17:5,034,119, C>T on the plus strand (G>A on the coding strand, the complement: SLC52A1 is on the minus strand). VCF-style: chr17-5034119-C-T. GRCh37 (hg19) VCF-style: chr17-4937414-C-T.
Other names: c.370G>A, p.Ala124Thr (NM_001104577.2); short protein forms A124T.
Identifiers: ClinVar variation 2037829 (VCV002037829.4), dbSNP rs140348114, ClinGen allele CA8319805.

ClinVar aggregate classification (germline): Uncertain significance (1 of 4 stars; one submission).

Conditions:
Vitamin B2 deficiency. Identifiers: MedGen C0035528.

Allele frequency attached by ClinVar (database versions not stated): gnomAD exomes below 0.00001; ExAC 0.00001; TOPMed 0.00001; ESP Exome Variant Server 0.00008.
gnomAD v4.1: 2 of 1,614,206 alleles (0.00012%); highest among the groups gnomAD compares: Non-Finnish European, 0.00017%; no homozygotes.

Submission:

Labcorp Genetics (formerly Invitae), Labcorp
Classification: Uncertain significance for Vitamin B2 deficiency. Last evaluated: 2021-12-09. Review status: criteria provided, single submitter. Criteria: Invitae Variant Classification Sherloc (09022015). Collection method: clinical testing. Allele origin: germline.
Comment: In summary, the available evidence is currently insufficient to determine the role of this variant in disease. Therefore, it has been classified as a Variant of Uncertain Significance. Algorithms developed to predict the effect of missense changes on protein structure and function (SIFT, PolyPhen-2, Align-GVGD) all suggest that this variant is likely to be tolerated. This variant has not been reported in the literature in individuals affected with SLC52A1-related conditions. This variant is present in population databases (rs140348114, gnomAD 0.0009%). This sequence change replaces alanine, which is neutral and non-polar, with threonine, which is neutral and polar, at codon 124 of the SLC52A1 protein (p.Ala124Thr).